The following is an entry in ClinVar:

ClinVar aggregate classification (germline): Uncertain significance (1 of 4 stars; one submission).

Allele frequency attached by ClinVar (database versions not stated): gnomAD exomes 0.00004; ExAC 0.00009; 1000 Genomes Project 0.00020; ESP Exome Variant Server 0.00024; 1000 Genomes Project 30x 0.00031; gnomAD 0.00032; TOPMed 0.00038.
gnomAD v4.1: 102 of 1,592,938 alleles (0.0064%); highest among the groups gnomAD compares: African/African-American, 0.083%; no homozygotes.

Submission:

Labcorp Genetics (formerly Invitae), Labcorp
Classification: Uncertain significance. Last evaluated: 2025-08-15. Review status: criteria provided, single submitter. Criteria: Invitae Variant Classification Sherloc (09022015). Collection method: clinical testing. Allele origin: germline.
Comment: This sequence change replaces glycine, which is neutral and non-polar, with arginine, which is basic and polar, at codon 733 of the FUK protein (p.Gly733Arg). This variant is present in population databases (rs372313872, gnomAD 0.07%), and has an allele count higher than expected for a pathogenic variant. This variant has not been reported in the literature in individuals affected with FUK-related conditions. ClinVar contains an entry for this variant (Variation ID: 2168950). An algorithm developed to predict the effect of missense changes on protein structure and function (PolyPhen-2) suggests that this variant is likely to be disruptive. Algorithms developed to predict the effect of sequence changes on RNA splicing suggest that this variant may disrupt the consensus splice site. In summary, the available evidence is currently insufficient to determine the role of this variant in disease. Therefore, it has been classified as a Variant of Uncertain Significance.

NM_145059.3(FCSK):c.2197G>A (p.Gly733Arg)

Gene: FCSK (fucose kinase; plus strand). Cytogenetic location: 16q22.1.
Variant type: single nucleotide variant.
Coding change: c.2197G>A on transcript NM_145059.3 (MANE Select); coding-DNA position 2197, G replaced by A.
Protein change: p.Gly733Arg; replaces glycine 733 with arginine.
Molecular consequence: missense variant.
Genome position (GRCh38, 1-based): chr16:70,474,831, G>A. VCF-style: chr16-70474831-G-A. GRCh37 (hg19) VCF-style: chr16-70508734-G-A.
Other names: short protein forms G733R.
Identifiers: ClinVar variation 2168950 (VCV002168950.4), dbSNP rs372313872, ClinGen allele CA8143523.